The following is an entry in ClinVar:

NM_001271938.2(MEGF8):c.4286G>A (p.Gly1429Asp)

Gene: MEGF8 (multiple EGF like domains 8; plus strand). Cytogenetic location: 19q13.2.
Variant type: single nucleotide variant.
Coding change: c.4286G>A on transcript NM_001271938.2 (MANE Select); coding-DNA position 4286, G replaced by A.
Protein change: p.Gly1429Asp; replaces glycine 1429 with aspartic acid.
Molecular consequence: missense variant.
Genome position (GRCh38, 1-based): chr19:42,355,899, G>A. VCF-style: chr19-42355899-G-A. GRCh37 (hg19) VCF-style: chr19-42860051-G-A.
Other names: c.4085G>A, p.Gly1362Asp (NM_001410.3); short protein forms G1362D, G1429D.
Identifiers: ClinVar variation 4705983 (VCV004705983.1).

ClinVar aggregate classification (germline): Uncertain significance (1 of 4 stars; one submission).

Conditions:
MEGF8-related Carpenter syndrome. Also called: Carpenter syndrome 2. Identifiers: Orphanet 65759, MedGen C3554247, MONDO:0013998, OMIM 614976.

Submission:

Labcorp Genetics (formerly Invitae), Labcorp
Classification: Uncertain significance for MEGF8-related Carpenter syndrome. Last evaluated: 2025-12-20. Review status: criteria provided, single submitter. Criteria: Invitae Variant Classification Sherloc (09022015). Collection method: clinical testing. Allele origin: germline.
Comment: This sequence change replaces glycine, which is neutral and non-polar, with aspartic acid, which is acidic and polar, at codon 1362 of the MEGF8 protein (p.Gly1362Asp). This variant is not present in population databases (gnomAD no frequency). This variant has not been reported in the literature in individuals affected with MEGF8-related conditions. An algorithm developed to predict the effect of missense changes on protein structure and function outputs the following: PolyPhen-2: "Benign". The aspartic acid amino acid residue is found in multiple mammalian species, which suggests that this missense change does not adversely affect protein function. In summary, the available evidence is currently insufficient to determine the role of this variant in disease. Therefore, it has been classified as a Variant of Uncertain Significance.